The following is an entry in ClinVar:

NM_207352.4(CYP4V2):c.1198C>T (p.Arg400Cys)

Gene: CYP4V2 (cytochrome P450 family 4 subfamily V member 2; plus strand). Cytogenetic location: 4q35.2.
Variant type: single nucleotide variant.
Coding change: c.1198C>T on transcript NM_207352.4 (MANE Select); coding-DNA position 1198, C replaced by T.
Protein change: p.Arg400Cys; replaces arginine 400 with cysteine.
Molecular consequence: missense variant.
Genome position (GRCh38, 1-based): chr4:186,208,972, C>T. VCF-style: chr4-186208972-C-T. GRCh37 (hg19) VCF-style: chr4-187130126-C-T.
Other names: c.1502C>T; short protein forms R400C.
Identifiers: ClinVar variation 39253 (VCV000039253.57), dbSNP rs138444697, ClinGen allele CA343712.

ClinVar aggregate classification (germline): Conflicting classifications of pathogenicity. Review status: criteria provided, conflicting classifications (1 of 4 stars). 8 submissions from 8 submitters: Pathogenic (3); Likely pathogenic (3); Uncertain significance (1). 1 of the submissions does not count toward it. Last evaluated 2025-11-19.

Conditions:
CYP4V2-related disorder. Also called: CYP4V2-related disorders; CYP4V2-related condition.
Retinal dystrophy. Also called: Inherited retinal dystrophy. Identifiers: Orphanet 71862, MedGen C0854723, MeSH D058499, MONDO:0019118, HP:0000556.
Bietti crystalline corneoretinal dystrophy (BCD). Also called: Bietti Crystalline Dystrophy; BIETTI TAPETORETINAL DEGENERATION WITH MARGINAL CORNEAL DYSTROPHY. Identifiers: Orphanet 41751, MedGen C1859486, MONDO:0008865, OMIM 210370.

Allele frequency attached by ClinVar (database versions not stated): ExAC 0.00003; gnomAD 0.00009 and 0.00010; TOPMed 0.00013; ESP Exome Variant Server 0.00015.

Submissions (8):

Labcorp Genetics (formerly Invitae), Labcorp
Classification: Pathogenic. Last evaluated: 2025-11-19. Review status: criteria provided, single submitter. Criteria: Invitae Variant Classification Sherloc (09022015). Collection method: clinical testing. Allele origin: germline.
Comment: This sequence change replaces arginine, which is basic and polar, with cysteine, which is neutral and slightly polar, at codon 400 of the CYP4V2 protein (p.Arg400Cys). This variant is present in population databases (rs138444697, gnomAD 0.01%), including at least one homozygous and/or hemizygous individual. This missense change has been observed in individual(s) with Bietti crystalline dystrophy (PMID: 17962476, 28698241, 31512983; internal data). ClinVar contains an entry for this variant (Variation ID: 39253). Invitae Evidence Modeling of protein sequence and biophysical properties (such as structural, functional, and spatial information, amino acid conservation, physicochemical variation, residue mobility, and thermodynamic stability) indicates that this missense variant is expected to disrupt CYP4V2 protein function with a positive predictive value of 80%. This variant disrupts the p.Arg400 amino acid residue in CYP4V2. Other variant(s) that disrupt this residue have been determined to be pathogenic (PMID: 16179904, 24480711, 28051075, 31960602). This suggests that this residue is clinically significant, and that variants that disrupt this residue are likely to be disease-causing. For these reasons, this variant has been classified as Pathogenic.

PreventionGenetics, part of Exact Sciences
Classification: Likely pathogenic for CYP4V2-related condition. Last evaluated: 2025-08-15. Review status: criteria provided, single submitter. Criteria: ACMG Guidelines, 2015. Collection method: clinical testing. Allele origin: germline.
Comment: The CYP4V2 c.1198C>T variant is predicted to result in the amino acid substitution p.Arg400Cys. This variant has been reported along with a second CYP4V2 variant in individuals with Bietti's crystalline dystrophy or undefined retinal disease (see for examples: Lai et al. 2007. PubMed ID: 17962476; Table S1, Weisschuh et al. 2020. PubMed ID: 32531858; Table S2, Liu et al. 2020. PubMed ID: 33090715; Louati et al. 2021. PubMed ID: 34310258). This variant is present in 0.011% of alleles in individuals of European (Non-Finnish) descent in gnomAD, including one homozygote. This variant is interpreted as likely pathogenic.

Blueprint Genetics
Classification: Pathogenic for CYP4V2-related disorders. Last evaluated: 2024-01-16. Review status: criteria provided, single submitter. Criteria: ACMG Guidelines, 2015. Collection method: clinical testing. Allele origin: germline. Affected: yes. Observed: 5 variant alleles.

Institute of Human Genetics, Univ. Regensburg, Univ. Regensburg
Classification: Likely pathogenic for Retinal dystrophy. Last evaluated: 2022-01-01. Review status: criteria provided, single submitter. Criteria: ACMG Guidelines, 2015. Collection method: clinical testing. Allele origin: germline. Affected: yes.

CeGaT Center for Human Genetics Tuebingen
Classification: Pathogenic. Last evaluated: 2021-10-01. Review status: criteria provided, single submitter. Criteria: CeGaT Center For Human Genetics Tuebingen Variant Classification Criteria Version 2. Collection method: clinical testing. Allele origin: germline. Affected: yes. Observed: 3 variant alleles.

Institute of Medical Molecular Genetics, University of Zurich
Classification: Likely pathogenic for Bietti crystalline corneoretinal dystrophy. Last evaluated: 2021-01-30. Review status: criteria provided, single submitter. Criteria: ACMG Guidelines, 2015. Collection method: clinical testing. Allele origin: germline. Affected: yes.

Eurofins Ntd Llc (ga)
Classification: Uncertain significance. Last evaluated: 2016-06-21. Review status: criteria provided, single submitter. Criteria: EGL Classification Definitions 2015. Collection method: clinical testing. Allele origin: germline. Observed: 1 variant allele, 1 heterozygote.

GeneReviews
Classification: Pathogenic for Bietti Crystalline Dystrophy. Last evaluated: 2012-04-12. Review status: no assertion criteria provided. Collection method: curation. Allele origin: unknown. Not counted in ClinVar's aggregate classification.
ClinVar note: Converted during submission from pathologic to Pathogenic.

Literature cited by the submitters: PubMed 17962476 (cited by Labcorp Genetics (formerly Invitae), Labcorp and Institute of Human Genetics, Univ. Regensburg, Univ. Regensburg); PubMed 28698241 (cited by Labcorp Genetics (formerly Invitae), Labcorp and Institute of Human Genetics, Univ. Regensburg, Univ. Regensburg); PubMed 31512983 (cited by Labcorp Genetics (formerly Invitae), Labcorp and Institute of Human Genetics, Univ. Regensburg, Univ. Regensburg); PubMed 16179904 (cited by Labcorp Genetics (formerly Invitae), Labcorp); PubMed 24480711 (cited by Labcorp Genetics (formerly Invitae), Labcorp); PubMed 28051075 (cited by Labcorp Genetics (formerly Invitae), Labcorp); PubMed 31960602 (cited by Labcorp Genetics (formerly Invitae), Labcorp); PubMed 31964843 (cited by Institute of Human Genetics, Univ. Regensburg, Univ. Regensburg); PubMed 33090715 (cited by Institute of Human Genetics, Univ. Regensburg, Univ. Regensburg); PubMed 32531858 (cited by Institute of Human Genetics, Univ. Regensburg, Univ. Regensburg); PubMed 33816482 (cited by Institute of Human Genetics, Univ. Regensburg, Univ. Regensburg); PubMed 34310258 (cited by Institute of Human Genetics, Univ. Regensburg, Univ. Regensburg); PubMed 33964374 (cited by Institute of Human Genetics, Univ. Regensburg, Univ. Regensburg).